The following is an entry in ClinVar:

ClinVar aggregate classification (germline): Uncertain significance. Review status: criteria provided, multiple submitters, no conflicts (2 of 4 stars). 2 submissions from 2 submitters: Uncertain significance (2). Last evaluated 2026-03-01.

Conditions:
Severe early-onset pulmonary alveolar proteinosis due to MARS deficiency. Also called: PULMONARY ALVEOLAR PROTEINOSIS, REUNION ISLAND; Interstitial lung and liver disease. Identifiers: Orphanet 440427, MedGen C4225400, MONDO:0014206, OMIM 615486.
Charcot-Marie-Tooth disease axonal type 2U. Also called: CHARCOT-MARIE-TOOTH NEUROPATHY, TYPE 2U; CHARCOT-MARIE-TOOTH DISEASE, AXONAL, AUTOSOMAL DOMINANT, TYPE 2U. Identifiers: Orphanet 397735, MedGen C4084821, MONDO:0014566, OMIM 616280.

Allele frequency attached by ClinVar (database versions not stated): gnomAD exomes 0.00001; ExAC 0.00002.
gnomAD v4.1: 7 of 1,614,164 alleles (0.00043%); highest among the groups gnomAD compares: Admixed American, 0.01%; no homozygotes.

Submissions (2):

CeGaT Center for Human Genetics Tuebingen
Classification: Uncertain significance. Last evaluated: 2026-03-01. Review status: criteria provided, single submitter. Criteria: CeGaT Center For Human Genetics Tuebingen Variant Classification Criteria Version 2. Collection method: clinical testing. Allele origin: germline. Affected: yes. Observed: 1 variant allele.
Comment: MARS1: PM2

Labcorp Genetics (formerly Invitae), Labcorp
Classification: Uncertain significance for Charcot-Marie-Tooth disease axonal type 2U; Severe early-onset pulmonary alveolar proteinosis due to MARS deficiency. Last evaluated: 2022-09-17. Review status: criteria provided, single submitter. Criteria: Invitae Variant Classification Sherloc (09022015). Collection method: clinical testing. Allele origin: germline.
Comment: In summary, the available evidence is currently insufficient to determine the role of this variant in disease. Therefore, it has been classified as a Variant of Uncertain Significance. Algorithms developed to predict the effect of missense changes on protein structure and function (SIFT, PolyPhen-2, Align-GVGD) all suggest that this variant is likely to be tolerated. This variant has not been reported in the literature in individuals affected with MARS-related conditions. This variant is present in population databases (rs773073357, gnomAD 0.01%). This sequence change replaces isoleucine, which is neutral and non-polar, with valine, which is neutral and non-polar, at codon 719 of the MARS protein (p.Ile719Val).

NM_004990.4(MARS1):c.2155A>G (p.Ile719Val)

Gene: MARS1 (methionyl-tRNA synthetase 1; plus strand). Cytogenetic location: 12q13.3.
Variant type: single nucleotide variant.
Coding change: c.2155A>G on transcript NM_004990.4 (MANE Select); coding-DNA position 2155, A replaced by G.
Protein change: p.Ile719Val; replaces isoleucine 719 with valine.
Molecular consequence: missense variant.
Genome position (GRCh38, 1-based): chr12:57,515,009, A>G. VCF-style: chr12-57515009-A-G. GRCh37 (hg19) VCF-style: chr12-57908792-A-G.
Other names: short protein forms I719V.
Identifiers: ClinVar variation 1936593 (VCV001936593.9), dbSNP rs773073357, ClinGen allele CA6650723.